The following is an entry in ClinVar:

ClinVar aggregate classification (germline): Uncertain significance (1 of 4 stars; one submission).

Allele frequency attached by ClinVar (database versions not stated): ExAC 0.00001; gnomAD 0.00001; gnomAD exomes 0.00001 and 0.00002; TOPMed 0.00001.
gnomAD v4.1: 30 of 1,614,098 alleles (0.0019%); highest among the groups gnomAD compares: East Asian, 0.0067%; no homozygotes.

Submission:

Labcorp Genetics (formerly Invitae), Labcorp
Classification: Uncertain significance. Last evaluated: 2021-09-27. Review status: criteria provided, single submitter. Criteria: Invitae Variant Classification Sherloc (09022015). Collection method: clinical testing. Allele origin: germline.
Comment: This sequence change replaces valine with isoleucine at codon 337 of the RNF168 protein (p.Val337Ile). The valine residue is weakly conserved and there is a small physicochemical difference between valine and isoleucine. This variant is present in population databases (rs768766014, ExAC 0.001%). This variant has not been reported in the literature in individuals affected with RNF168-related conditions. Algorithms developed to predict the effect of missense changes on protein structure and function output the following: SIFT: "Tolerated"; PolyPhen-2: "Benign"; Align-GVGD: "Class C0". The isoleucine amino acid residue is found in multiple mammalian species, which suggests that this missense change does not adversely affect protein function. In summary, the available evidence is currently insufficient to determine the role of this variant in disease. Therefore, it has been classified as a Variant of Uncertain Significance.

NM_152617.4(RNF168):c.1009G>A (p.Val337Ile)

Gene: RNF168 (ring finger protein 168; minus strand). Cytogenetic location: 3q29.
Variant type: single nucleotide variant.
Coding change: c.1009G>A on transcript NM_152617.4 (MANE Select); coding-DNA position 1009, G replaced by A.
Protein change: p.Val337Ile; replaces valine 337 with isoleucine.
Molecular consequence: missense variant.
Genome position (GRCh38, 1-based): chr3:196,472,526, C>T on the plus strand (G>A on the coding strand, the complement: RNF168 is on the minus strand). VCF-style: chr3-196472526-C-T. GRCh37 (hg19) VCF-style: chr3-196199397-C-T.
Other names: short protein forms V337I.
Identifiers: ClinVar variation 1355389 (VCV001355389.3), dbSNP rs768766014, ClinGen allele CA2780754.
Genomic context (GRCh38, chr3:196,472,526, plus strand): 5'-GGGCGCACCCACTTTCTGTTCTGCCACAAGGCATAACTGCAGTTTCTTTCGAGTAGGGAA[C>T]TCTGGTTTTAGGTCGCTCGTGACTTAAGACACATAACTCTTTCCCATGATTGCTTGGTCT-3'
Protein context (NP_689830.2, residues 327-347): VLSHERPKTR[Val337Ile]PYSKETAVMP